The following is an entry in ClinVar:

ClinVar aggregate classification (germline): Uncertain significance. Review status: criteria provided, multiple submitters, no conflicts (2 of 4 stars). 2 submissions from 2 submitters: Uncertain significance (2). Last evaluated 2025-10-07.

Conditions:
Hereditary cancer-predisposing syndrome. Also called: Hereditary Cancer Syndrome; Hereditary neoplastic syndrome; Tumor predisposition; Neoplastic Syndromes, Hereditary. Identifiers: Orphanet 140162, MedGen C0027672, MeSH D009386, MONDO:0015356.
Multiple endocrine neoplasia type 4. Also called: MULTIPLE ENDOCRINE NEOPLASIA, TYPE IV. Identifiers: Orphanet 276152, MedGen C1970712, MONDO:0012552, OMIM 610755.

Submissions (2):

Labcorp Genetics (formerly Invitae), Labcorp
Classification: Uncertain significance for Multiple endocrine neoplasia type 4. Last evaluated: 2025-10-07. Review status: criteria provided, single submitter. Criteria: Invitae Variant Classification Sherloc (09022015). Collection method: clinical testing. Allele origin: germline.
Comment: This sequence change replaces lysine, which is basic and polar, with glutamine, which is neutral and polar, at codon 68 of the CDKN1B protein (p.Lys68Gln). This variant is not present in population databases (gnomAD no frequency). This variant has not been reported in the literature in individuals affected with CDKN1B-related conditions. ClinVar contains an entry for this variant (Variation ID: 2781689). An algorithm developed to predict the effect of missense changes on protein structure and function outputs the following: PolyPhen-2: "Benign". The glutamine amino acid residue is found in multiple mammalian species, which suggests that this missense change does not adversely affect protein function. In summary, the available evidence is currently insufficient to determine the role of this variant in disease. Therefore, it has been classified as a Variant of Uncertain Significance.

Ambry Genetics
Classification: Uncertain significance for Hereditary cancer-predisposing syndrome. Last evaluated: 2025-09-14. Review status: criteria provided, single submitter. Criteria: Ambry Variant Classification Scheme 2023. Collection method: clinical testing. Allele origin: germline.
Comment: The p.K68Q variant (also known as c.202A>C), located in coding exon 1 of the CDKN1B gene, results from an A to C substitution at nucleotide position 202. The lysine at codon 68 is replaced by glutamine, an amino acid with similar properties. This amino acid position is conserved. In addition, this alteration is predicted to be tolerated by in silico analysis. Based on the available evidence, the clinical significance of this variant remains unclear.

NM_004064.5(CDKN1B):c.202A>C (p.Lys68Gln)

Gene: CDKN1B (cyclin dependent kinase inhibitor 1B; plus strand). Cytogenetic location: 12p13.1.
Variant type: single nucleotide variant.
Coding change: c.202A>C on transcript NM_004064.5 (MANE Select); coding-DNA position 202, A replaced by C.
Protein change: p.Lys68Gln; replaces lysine 68 with glutamine.
Molecular consequence: missense variant.
Genome position (GRCh38, 1-based): chr12:12,718,041, A>C. VCF-style: chr12-12718041-A-C. GRCh37 (hg19) VCF-style: chr12-12870975-A-C.
Other names: c.202A>C (NM_004064.3); short protein forms K68Q.
Identifiers: ClinVar variation 2781689 (VCV002781689.4), dbSNP rs1319912400, ClinGen allele CA383969479.